The following is an entry in ClinVar:

ClinVar aggregate classification (germline): Likely benign. Review status: criteria provided, multiple submitters, no conflicts (2 of 4 stars). 3 submissions from 3 submitters: Likely benign (3). Last evaluated 2025-11-09.

Conditions:
Wiskott-Aldrich syndrome 2 (WAS2). Also called: WIPF1 DEFICIENCY. Identifiers: Orphanet 906, MedGen C3281001, MONDO:0013779, OMIM 614493.

Allele frequency attached by ClinVar (database versions not stated): ExAC 0.00001; gnomAD exomes 0.00002.
gnomAD v4.1: 56 of 1,548,336 alleles (0.0036%); highest among the groups gnomAD compares: Non-Finnish European, 0.0044%; no homozygotes.

Submissions (3):

Mayo Clinic Laboratories, Mayo Clinic
Classification: Likely benign. Last evaluated: 2025-11-09. Review status: criteria provided, single submitter. Criteria: ACMG Guidelines, 2015. Collection method: clinical testing. Allele origin: germline. Observed: 1 variant allele.
Comment: BP4, BP7

Labcorp Genetics (formerly Invitae), Labcorp
Classification: Likely benign for Wiskott-Aldrich syndrome 2. Last evaluated: 2025-09-30. Review status: criteria provided, single submitter. Criteria: Invitae Variant Classification Sherloc (09022015). Collection method: clinical testing. Allele origin: germline.

Blueprint Genetics
Classification: Likely benign. Last evaluated: 2024-05-23. Review status: criteria provided, single submitter. Criteria: ACMG Guidelines, 2015. Collection method: clinical testing. Allele origin: germline.

NM_001375834.1(WIPF1):c.768C>T (p.Pro256=)

Gene: WIPF1 (WAS/WASL interacting protein family member 1; minus strand). Cytogenetic location: 2q31.1.
Variant type: single nucleotide variant.
Coding change: c.768C>T on transcript NM_001375834.1 (MANE Select); coding-DNA position 768, C replaced by T.
Protein change: p.Pro256=; no amino-acid change (proline 256 retained).
Molecular consequence: synonymous variant.
Genome position (GRCh38, 1-based): chr2:174,572,037, G>A on the plus strand (C>T on the coding strand, the complement: WIPF1 is on the minus strand). VCF-style: chr2-174572037-G-A. GRCh37 (hg19) VCF-style: chr2-175436765-G-A.
Other names: p.Pro256=; c.768C>T, p.Pro256= (NM_001077269.1, NM_001375832.1, NM_001375833.1 and 5 more transcripts); c.390C>T, p.Pro130= (NM_001375839.1).
Identifiers: ClinVar variation 1102370 (VCV001102370.11), dbSNP rs775538363, ClinGen allele CA1974063.